The following is an entry in ClinVar:

NM_003126.4(SPTA1):c.6221C>T (p.Ser2074Phe)

Gene: SPTA1 (spectrin alpha, erythrocytic 1; minus strand). Cytogenetic location: 1q23.1.
Variant type: single nucleotide variant.
Coding change: c.6221C>T on transcript NM_003126.4 (MANE Select); coding-DNA position 6221, C replaced by T.
Protein change: p.Ser2074Phe; replaces serine 2074 with phenylalanine.
Molecular consequence: missense variant.
Genome position (GRCh38, 1-based): chr1:158,620,366, G>A on the plus strand (C>T on the coding strand, the complement: SPTA1 is on the minus strand). VCF-style: chr1-158620366-G-A. GRCh37 (hg19) VCF-style: chr1-158590156-G-A.
Other names: short protein forms S2074F.
Identifiers: ClinVar variation 2585112 (VCV002585112.1), dbSNP rs1417463238, ClinGen allele CA343018779.
Genomic context (GRCh38, chr1:158,620,366, plus strand): 5'-CTAGCCAGGGAGGCCAAGAAGTCCTCATGGTCTTTCTGCAGCTGCCGAATTTCATTCAGG[G>A]AGACACAGTGCACAGGCTCTGACAAGTTTTCTTCCATCTTTTCACACCAGTTGTTCAAAG-3'
Protein context (NP_003117.2, residues 2064-2084): ENLSEPVHCV[Ser2074Phe]LNEIRQLQKD

ClinVar aggregate classification (germline): Uncertain significance (1 of 4 stars; one submission).

Conditions:
Hereditary spherocytosis type 3. Also called: Spherocytosis type 3; SPTA1-Related Spherocytosis. Identifiers: Orphanet 822, MedGen C2678338, MONDO:0010053, OMIM 270970.

Allele frequency attached by ClinVar (database versions not stated): gnomAD exomes below 0.00001; TOPMed below 0.00001.
gnomAD v4.1: 1 of 1,614,060 alleles (0.000062%); highest among the groups gnomAD compares: Non-Finnish European, 0.000085%; no homozygotes.

Submission:

Neuberg Centre For Genomic Medicine, NCGM
Classification: Uncertain significance for Hereditary spherocytosis type 3. Review status: criteria provided, single submitter. Criteria: ACMG Guidelines, 2015. Collection method: clinical testing. Allele origin: germline. Inheritance: Autosomal dominant inheritance. Affected: yes.
Comment: The missense c.6221C>T (p.Ser2074Phe) variant in SPTA1 gene has not been reported previously as a pathogenic variant nor as a benign variant, to our knowledge. The variant is novel (not in any individuals) in gnomAD Exomes and 1000 Genomes. The amino acid Ser at position 2074 is changed to a Phe changing protein sequence and it might alter its composition and physico-chemical properties. The amino acid change p.Ser2074Phe in SPTA1 is predicted as conserved by GERP++ and PhyloP across 100 vertebrates. For these reasons, this variant has been classified as Uncertain Significance. In the absence of second reportable variant the molecular diagnosis is not confirmed.